The following is an entry in ClinVar:

ClinVar aggregate classification (germline): Uncertain significance (1 of 4 stars; one submission).

Conditions:
Benign neonatal seizures. Also called: Benign familial neonatal seizures; Benign neonatal familial convulsions; Benign familial neonatal epilepsy; Convulsions benign familial neonatal dominant form; Autosomal dominant form of benign neonatal seizures. Identifiers: Orphanet 1949, MedGen C0220669, MONDO:0016027.

gnomAD v4.1: 1 of 1,613,964 alleles (0.000062%); highest among the groups gnomAD compares: Non-Finnish European, 0.000085%; no homozygotes.

Submission:

Labcorp Genetics (formerly Invitae), Labcorp
Classification: Uncertain significance for Benign neonatal seizures. Last evaluated: 2023-08-14. Review status: criteria provided, single submitter. Criteria: Invitae Variant Classification Sherloc (09022015). Collection method: clinical testing. Allele origin: germline.
Comment: This sequence change replaces glycine, which is neutral and non-polar, with serine, which is neutral and polar, at codon 662 of the KCNQ3 protein (p.Gly662Ser). This variant is not present in population databases (gnomAD no frequency). This variant has not been reported in the literature in individuals affected with KCNQ3-related conditions. Advanced modeling of protein sequence and biophysical properties (such as structural, functional, and spatial information, amino acid conservation, physicochemical variation, residue mobility, and thermodynamic stability) performed at Invitae indicates that this missense variant is not expected to disrupt KCNQ3 protein function. In summary, the available evidence is currently insufficient to determine the role of this variant in disease. Therefore, it has been classified as a Variant of Uncertain Significance.

NM_004519.4(KCNQ3):c.1984G>A (p.Gly662Ser)

Gene: KCNQ3 (potassium voltage-gated channel subfamily Q member 3; minus strand). Cytogenetic location: 8q24.22.
Variant type: single nucleotide variant.
Coding change: c.1984G>A on transcript NM_004519.4 (MANE Select); coding-DNA position 1984, G replaced by A.
Protein change: p.Gly662Ser; replaces glycine 662 with serine.
Molecular consequence: missense variant.
Genome position (GRCh38, 1-based): chr8:132,129,897, C>T on the plus strand (G>A on the coding strand, the complement: KCNQ3 is on the minus strand). VCF-style: chr8-132129897-C-T. GRCh37 (hg19) VCF-style: chr8-133142144-C-T.
Other names: c.1624G>A, p.Gly542Ser (NM_001204824.2); short protein forms G542S, G662S.
Identifiers: ClinVar variation 2913947 (VCV002913947.3), dbSNP rs1824810813, ClinGen allele CA372217195.